The following is an entry in ClinVar:

NM_014159.7(SETD2):c.799G>A (p.Val267Ile)

Gene: SETD2 (SET domain containing 2, histone lysine methyltransferase; minus strand). Cytogenetic location: 3p21.31.
Variant type: single nucleotide variant.
Coding change: c.799G>A on transcript NM_014159.7 (MANE Select); coding-DNA position 799, G replaced by A.
Protein change: p.Val267Ile; replaces valine 267 with isoleucine.
Molecular consequence: missense variant. On other transcripts: non-coding transcript variant (1).
Genome position (GRCh38, 1-based): chr3:47,123,837, C>T on the plus strand (G>A on the coding strand, the complement: SETD2 is on the minus strand). VCF-style: chr3-47123837-C-T. GRCh37 (hg19) VCF-style: chr3-47165327-C-T.
Other names: c.667G>A, p.Val223Ile (NM_001349370.3); short protein forms V267I, V223I.
Identifiers: ClinVar variation 475541 (VCV000475541.18), dbSNP rs186148199, ClinGen allele CA73812062.

ClinVar aggregate classification (germline): Benign/Likely benign. Review status: criteria provided, multiple submitters, no conflicts (2 of 4 stars). 4 submissions from 4 submitters: Benign (1); Likely benign (3). Last evaluated 2026-08-01.

Conditions:
Luscan-Lumish syndrome. Identifiers: Orphanet 597738, MedGen C4085873, MONDO:0014791, OMIM 616831.

Allele frequency attached by ClinVar (database versions not stated): gnomAD 0.00003 and 0.00004; gnomAD exomes 0.00003 and 0.00009; TOPMed 0.00009; 1000 Genomes Project 0.00020; 1000 Genomes Project 30x 0.00031.

Submissions (4):

CeGaT Center for Human Genetics Tuebingen
Classification: Likely benign. Last evaluated: 2026-08-01. Review status: criteria provided, single submitter. Criteria: CeGaT Center For Human Genetics Tuebingen Variant Classification Criteria Version 2. Collection method: clinical testing. Allele origin: germline. Affected: yes. Observed: 2 variant alleles.
Comment: SETD2: BP4

Labcorp Genetics (formerly Invitae), Labcorp
Classification: Benign for Luscan-Lumish syndrome. Last evaluated: 2026-02-01. Review status: criteria provided, single submitter. Criteria: Invitae Variant Classification Sherloc (09022015). Collection method: clinical testing. Allele origin: germline.

Athena Diagnostics
Classification: Likely benign. Last evaluated: 2024-07-05. Review status: criteria provided, single submitter. Criteria: Athena Diagnostics Criteria. Collection method: clinical testing. Allele origin: unknown.

Blueprint Genetics
Classification: Likely benign. Last evaluated: 2023-10-18. Review status: criteria provided, single submitter. Criteria: ACMG Guidelines, 2015. Collection method: clinical testing. Allele origin: germline.